The following is an entry in ClinVar:

NM_001326411.2(PISD):c.374G>A (p.Arg125His)

Gene: PISD (phosphatidylserine decarboxylase; minus strand). Cytogenetic location: 22q12.2.
Variant type: single nucleotide variant.
Coding change: c.374G>A on transcript NM_001326411.2 (MANE Select); coding-DNA position 374, G replaced by A.
Protein change: p.Arg125His; replaces arginine 125 with histidine.
Molecular consequence: missense variant. On other transcripts: intron variant (1).
Genome position (GRCh38, 1-based): chr22:31,621,833, C>T on the plus strand (G>A on the coding strand, the complement: PISD is on the minus strand). VCF-style: chr22-31621833-C-T. GRCh37 (hg19) VCF-style: chr22-32017819-C-T.
Other names: c.272G>A (NM_014338.3); c.311G>A, p.Arg104His (NM_001326413.2, NM_001326414.2); c.272G>A, p.Arg91His (NM_001326415.2, NM_001326416.2, NM_001326417.2 and 3 more transcripts); c.194G>A, p.Arg65His (NM_001326418.2, NM_001326420.2); c.374G>A, p.Arg125His (NM_001326421.1); c.322-11G>A (NM_001326412.1); short protein forms R104H, R125H, R91H, R65H.
Identifiers: ClinVar variation 2194175 (VCV002194175.5), dbSNP rs373653948, ClinGen allele CA10194817.
Genomic context (GRCh38, chr22:31,621,833, plus strand): 5'-CAGATGTACAGGCTGTAGACGGGCCTGCGCAGCCAGTGTGGCAGCTCCACCTGATTGAGG[C>T]GACCCCAGGCCCGTGACAGCAAGCGCGTTGGCACTGACTTGTACAAAGCCACCTGCAGGC-3'
Protein context (NP_001313340.1, residues 115-135): PTRLLSRAWG[Arg125His]LNQVELPHWL

ClinVar aggregate classification (germline): Uncertain significance. Review status: criteria provided, multiple submitters, no conflicts (2 of 4 stars). 2 submissions from 2 submitters: Uncertain significance (2). Last evaluated 2025-08-14.

Conditions:
Inborn genetic diseases. Identifiers: MedGen C0950123, MeSH D030342.

Allele frequency attached by ClinVar (database versions not stated): TOPMed 0.00001; ExAC 0.00003; gnomAD exomes 0.00004; gnomAD 0.00005; ESP Exome Variant Server 0.00008; 1000 Genomes Project 0.00020; 1000 Genomes Project 30x 0.00031.
gnomAD v4.1: 69 of 1,612,612 alleles (0.0043%); highest among the groups gnomAD compares: Admixed American, 0.012%; no homozygotes.

Submissions (2):

Labcorp Genetics (formerly Invitae), Labcorp
Classification: Uncertain significance. Last evaluated: 2025-08-14. Review status: criteria provided, single submitter. Criteria: Invitae Variant Classification Sherloc (09022015). Collection method: clinical testing. Allele origin: germline.
Comment: This sequence change replaces arginine, which is basic and polar, with histidine, which is basic and polar, at codon 125 of the PISD protein (p.Arg125His). This variant is present in population databases (rs373653948, gnomAD 0.01%). This variant has not been reported in the literature in individuals affected with PISD-related conditions. ClinVar contains an entry for this variant (Variation ID: 2194175). Invitae Evidence Modeling of protein sequence and biophysical properties (such as structural, functional, and spatial information, amino acid conservation, physicochemical variation, residue mobility, and thermodynamic stability) indicates that this missense variant is not expected to disrupt PISD protein function with a negative predictive value of 80%. In summary, the available evidence is currently insufficient to determine the role of this variant in disease. Therefore, it has been classified as a Variant of Uncertain Significance.

Ambry Genetics
Classification: Uncertain significance for Inborn genetic diseases. Last evaluated: 2023-07-12. Review status: criteria provided, single submitter. Criteria: Ambry Variant Classification Scheme 2023. Collection method: clinical testing. Allele origin: germline.